The following is an entry in ClinVar:

ClinVar aggregate classification (germline): Likely benign (1 of 4 stars; one submission).

Allele frequency attached by ClinVar (database versions not stated): 1000 Genomes Project 0.00699; 1000 Genomes Project 30x 0.00859; gnomAD 0.00912 and 0.00989; TOPMed 0.01040.
gnomAD v4.1: 1,373 of 152,204 alleles (0.9%); highest among the groups gnomAD compares: African/African-American, 2.9%; 15 homozygotes.

Submission:

GeneDx
Classification: Likely benign. Last evaluated: 2018-06-16. Review status: criteria provided, single submitter. Criteria: GeneDx Variant Classification (06012015). Collection method: clinical testing. Allele origin: germline. Affected: yes.
Comment: This variant is considered likely benign or benign based on one or more of the following criteria: it is a conservative change, it occurs at a poorly conserved position in the protein, it is predicted to be benign by multiple in silico algorithms, and/or has population frequency not consistent with disease.

NM_020297.4(ABCC9):c.1660-276C>A

Gene: ABCC9 (ATP binding cassette subfamily C member 9; minus strand). Cytogenetic location: 12p12.1.
Variant type: single nucleotide variant.
Coding change: c.1660-276C>A on transcript NM_020297.4 (MANE Select); 276 bases into the intron before coding-DNA position 1660, C replaced by A.
Molecular consequence: intron variant.
Genome position (GRCh38, 1-based): chr12:21,894,450, G>T on the plus strand (C>A on the coding strand, the complement: ABCC9 is on the minus strand). VCF-style: chr12-21894450-G-T. GRCh37 (hg19) VCF-style: chr12-22047384-G-T.
Other names: c.796-276C>A (NM_001377274.1); c.1660-276C>A (NM_005691.4, NM_001377273.1).
Identifiers: ClinVar variation 681309 (VCV000681309.1), dbSNP rs113837656, ClinGen allele CA233626724.